The following is an entry in ClinVar:

NM_000138.5(FBN1):c.1152T>G (p.Asp384Glu)

Gene: FBN1 (fibrillin 1; minus strand). Cytogenetic location: 15q21.1.
Variant type: single nucleotide variant.
Coding change: c.1152T>G on transcript NM_000138.5 (MANE Select); coding-DNA position 1152, T replaced by G.
Protein change: p.Asp384Glu; replaces aspartic acid 384 with glutamic acid.
Molecular consequence: missense variant.
Genome position (GRCh38, 1-based): chr15:48,516,358, A>C on the plus strand (T>G on the coding strand, the complement: FBN1 is on the minus strand). VCF-style: chr15-48516358-A-C. GRCh37 (hg19) VCF-style: chr15-48808555-A-C.
Other names: short protein forms D384E.
Identifiers: ClinVar variation 1171253 (VCV001171253.4), dbSNP rs747519215, ClinGen allele CA392345734.

ClinVar aggregate classification (germline): Uncertain significance. Review status: criteria provided, multiple submitters, no conflicts (2 of 4 stars). 2 submissions from 2 submitters: Uncertain significance (2). Last evaluated 2024-10-16.

Conditions:
Familial thoracic aortic aneurysm and aortic dissection (TAAD). Also called: Thoracic aortic aneurysms and dissections. Identifiers: Orphanet 91387, MedGen C4707243, MONDO:0019625.

Allele frequency attached by ClinVar (database versions not stated): gnomAD exomes below 0.00001; gnomAD 0.00001.
gnomAD v4.1: 2 of 1,613,474 alleles (0.00012%); highest among the groups gnomAD compares: Non-Finnish European, 0.00017%; no homozygotes.

Submissions (2):

Women's Health and Genetics/Laboratory Corporation of America, LabCorp
Classification: Uncertain significance. Last evaluated: 2024-10-16. Review status: criteria provided, single submitter. Criteria: LabCorp Variant Classification Summary - May 2015. Collection method: clinical testing. Allele origin: germline.
Comment: Variant summary: FBN1 c.1152T>G (p.Asp384Glu) results in a conservative amino acid change located in the TB domain (IPR017878) of the encoded protein sequence. Five of five in-silico tools predict a benign effect of the variant on protein function. The variant was absent in 249254 control chromosomes. The available data on variant occurrences in the general population are insufficient to allow any conclusion about variant significance. To our knowledge, no occurrence of c.1152T>G in individuals affected with Marfan Syndrome and no experimental evidence demonstrating its impact on protein function have been reported. ClinVar contains an entry for this variant (Variation ID: 1171253). Based on the evidence outlined above, the variant was classified as uncertain significance.

Color Diagnostics, LLC DBA Color Health
Classification: Uncertain significance for Familial thoracic aortic aneurysm and aortic dissection. Last evaluated: 2024-03-06. Review status: criteria provided, single submitter. Criteria: ACMG Guidelines, 2015. Collection method: clinical testing. Allele origin: germline.
Comment: This missense variant replaces aspartic acid with glutamic acid at codon 384 of the FBN1 protein. Computational prediction suggests that this variant may not impact protein structure and function (internally defined REVEL score threshold <= 0.5, PMID: 27666373). To our knowledge, functional studies have not been reported for this variant. This variant has not been reported in individuals affected with cardiovascular disorders in the literature. This variant has been identified in 1/31402 chromosomes in the general population by the Genome Aggregation Database (gnomAD). The available evidence is insufficient to determine the role of this variant in disease conclusively. Therefore, this variant is classified as a Variant of Uncertain Significance.